The following is an entry in ClinVar:

NM_000090.4(COL3A1):c.2819C>A (p.Pro940Gln)

Gene: COL3A1 (collagen type III alpha 1 chain; plus strand). Cytogenetic location: 2q32.2.
Variant type: single nucleotide variant.
Coding change: c.2819C>A on transcript NM_000090.4 (MANE Select); coding-DNA position 2819, C replaced by A.
Protein change: p.Pro940Gln; replaces proline 940 with glutamine.
Molecular consequence: missense variant.
Genome position (GRCh38, 1-based): chr2:189,004,139, C>A. VCF-style: chr2-189004139-C-A. GRCh37 (hg19) VCF-style: chr2-189868865-C-A.
Other names: short protein forms P940Q.
Identifiers: ClinVar variation 579574 (VCV000579574.49), dbSNP rs1221479337, ClinGen allele CA349844319.

ClinVar aggregate classification (germline): Uncertain significance. Review status: criteria provided, multiple submitters, no conflicts (2 of 4 stars). 5 submissions from 5 submitters: Uncertain significance (5). Last evaluated 2025-12-01.

Conditions:
Ehlers-Danlos syndrome, type 4 (EDSVASC). Also called: Ehlers-Danlos syndrome vascular type; Ehlers Danlos syndrome, ecchymotic type; Ehlers Danlos syndrome, arterial type; Ehlers Danlos syndrome, Sack-Barabas type; Ehlers-Danlos Syndrome Type IV. Identifiers: Orphanet 286, MedGen C0268338, MONDO:0017314, OMIM 130050.
Familial thoracic aortic aneurysm and aortic dissection (TAAD). Also called: Thoracic aortic aneurysms and dissections. Identifiers: Orphanet 91387, MedGen C4707243, MONDO:0019625.

Allele frequency attached by ClinVar (database versions not stated): gnomAD exomes below 0.00001.
gnomAD v4.1: 14 of 1,613,962 alleles (0.00087%); highest among the groups gnomAD compares: Non-Finnish European, 0.0011%; no homozygotes.

Submissions (5):

Labcorp Genetics (formerly Invitae), Labcorp
Classification: Uncertain significance for Ehlers-Danlos syndrome, type 4. Last evaluated: 2025-12-01. Review status: criteria provided, single submitter. Criteria: Invitae Variant Classification Sherloc (09022015). Collection method: clinical testing. Allele origin: germline.
Comment: This sequence change replaces proline, which is neutral and non-polar, with glutamine, which is neutral and polar, at codon 940 of the COL3A1 protein (p.Pro940Gln). This variant is present in population databases (no rsID available, gnomAD 0.0009%). This variant has not been reported in the literature in individuals affected with COL3A1-related conditions. ClinVar contains an entry for this variant (Variation ID: 579574). Invitae Evidence Modeling of protein sequence and biophysical properties (such as structural, functional, and spatial information, amino acid conservation, physicochemical variation, residue mobility, and thermodynamic stability) indicates that this missense variant is not expected to disrupt COL3A1 protein function with a negative predictive value of 95%. In summary, the available evidence is currently insufficient to determine the role of this variant in disease. Therefore, it has been classified as a Variant of Uncertain Significance.

Color Diagnostics, LLC DBA Color Health
Classification: Uncertain significance for Familial thoracic aortic aneurysm and aortic dissection. Last evaluated: 2024-06-18. Review status: criteria provided, single submitter. Criteria: ACMG Guidelines, 2015. Collection method: clinical testing. Allele origin: germline.
Comment: This missense variant replaces proline with glutamine at codon 940 of the COL3A1 protein. Computational prediction tools indicate that this variant has a neutral impact on protein structure and function. To our knowledge, functional studies have not been reported for this variant. This variant has not been reported in individuals affected with COL3A1-related disorders in the literature. This variant has been identified in 1/249978 chromosomes in the general population by the Genome Aggregation Database (gnomAD). The available evidence is insufficient to determine the role of this variant in disease conclusively. Therefore, this variant is classified as a Variant of Uncertain Significance.

Ambry Genetics
Classification: Uncertain significance for Familial thoracic aortic aneurysm and aortic dissection. Last evaluated: 2024-05-17. Review status: criteria provided, single submitter. Criteria: Ambry Variant Classification Scheme 2023. Collection method: clinical testing. Allele origin: germline.
Comment: The p.P940Q variant (also known as c.2819C>A), located in coding exon 39 of the COL3A1 gene, results from a C to A substitution at nucleotide position 2819. The proline at codon 940 is replaced by glutamine, an amino acid with similar properties. This amino acid position is not well conserved in available vertebrate species. In addition, the in silico prediction for this alteration is inconclusive. Based on the available evidence, the clinical significance of this variant remains unclear.

All of Us Research Program, National Institutes of Health
Classification: Uncertain significance for Ehlers-Danlos syndrome, type 4. Last evaluated: 2023-05-31. Review status: criteria provided, single submitter. Criteria: ACMG Guidelines, 2015. Collection method: clinical testing. Allele origin: germline. Inheritance: Autosomal dominant inheritance. Observed: 1 variant allele, 1 heterozygote.
Comment: This missense variant replaces proline with glutamine at codon 940 of the COL3A1 protein. Computational prediction suggests that this variant may not impact protein structure and function (internally defined REVEL score threshold <= 0.5, PMID: 27666373). To our knowledge, functional studies have not been reported for this variant. This variant has not been reported in individuals affected with cardiovascular disorders in the literature. This variant has been identified in 1/249978 chromosomes in the general population by the Genome Aggregation Database (gnomAD). The available evidence is insufficient to determine the role of this variant in disease conclusively. Therefore, this variant is classified as a Variant of Uncertain Significance.

This study involves interpretation of variants in research participants for the purpose of population health screening. Participant phenotype was not available at the time of variant classification. Additional details can be found in publication PMID: 35346344, PMCID: PMC8962531

CeGaT Center for Human Genetics Tuebingen
Classification: Uncertain significance. Last evaluated: 2020-10-01. Review status: criteria provided, single submitter. Criteria: CeGaT Center For Human Genetics Tuebingen Variant Classification Criteria Version 2. Collection method: clinical testing. Allele origin: germline. Affected: yes. Observed: 1 variant allele.